The following is an entry in ClinVar:

NM_000426.4(LAMA2):c.4107_4109del (p.Met1370del)

Gene: LAMA2 (laminin subunit alpha 2; plus strand). Cytogenetic location: 6q22.33.
Variant type: Deletion.
Coding change: c.4107_4109del on transcript NM_000426.4 (MANE Select); coding-DNA positions 4107 to 4109, 3 bases deleted (AAT; older notation c.4107_4109delAAT).
Protein change: p.Met1370del; deletes methionine 1370.
Molecular consequence: inframe deletion.
Genome position (GRCh38, 1-based): chr6:129,320,586-129,320,588, AAT deleted. VCF-style (leftmost placement, unchanged base first): chr6-129320585-CAAT-C. GRCh37 (hg19) VCF-style: chr6-129641730-CAAT-C.
Other names: c.4107_4109del (NM_000426.3); c.4107_4109del, p.Met1370del (NM_001079823.2); c.4107_4109delAAT (NM_000426.3); short protein forms M1370del.
Identifiers: ClinVar variation 550652 (VCV000550652.10), dbSNP rs1446213044, ClinGen allele CA570041048.
Genomic context (GRCh38, chr6:129,320,585, plus strand): 5'-TCGCTGTTTCTAGGATTTCTGAAATCTCAATGGAGGTAGCTGAACAAGGACGTGGAACAA[CAAT>C]GACTCCTCCAGCTGACTTGATTGAAAAATGTGATTGTCCCCTGGGCTATTCTGGCCTGTC-3'

ClinVar aggregate classification (germline): Uncertain significance. Review status: criteria provided, multiple submitters, no conflicts (2 of 4 stars). 4 submissions from 4 submitters: Uncertain significance (3). 1 of the submissions does not count toward it. Last evaluated 2025-10-22.

Conditions:
LAMA2-related muscular dystrophy (LAMA2-RD). Also called: Laminin alpha 2-related dystrophy. Identifiers: MedGen C5679788, MONDO:0100228.
Merosin deficient congenital muscular dystrophy (MDC1A). Also called: Congenital merosin-deficient muscular dystrophy 1A; Congenital Muscular Dystrophy Type 1A (MDC1A). Identifiers: Orphanet 258, MedGen C1263858, MONDO:0011925, OMIM 607855.

Allele frequency attached by ClinVar (database versions not stated): gnomAD 0.00001; gnomAD exomes 0.00001; TOPMed 0.00002.

Submissions (4):

Labcorp Genetics (formerly Invitae), Labcorp
Classification: Uncertain significance for LAMA2-related muscular dystrophy. Last evaluated: 2025-10-22. Review status: criteria provided, single submitter. Criteria: Invitae Variant Classification Sherloc (09022015). Collection method: clinical testing. Allele origin: germline.
Comment: This variant, c.4107_4109del, results in the deletion of 1 amino acid(s) of the LAMA2 protein (p.Met1370del), but otherwise preserves the integrity of the reading frame. This variant is present in population databases (no rsID available, gnomAD 0.003%). This variant has not been reported in the literature in individuals affected with LAMA2-related conditions. ClinVar contains an entry for this variant (Variation ID: 550652). Experimental studies and prediction algorithms are not available or were not evaluated, and the functional significance of this variant is currently unknown. In summary, the available evidence is currently insufficient to determine the role of this variant in disease. Therefore, it has been classified as a Variant of Uncertain Significance.

Blueprint Genetics
Classification: Uncertain significance. Last evaluated: 2023-12-12. Review status: criteria provided, single submitter. Criteria: ACMG Guidelines, 2015. Collection method: clinical testing. Allele origin: germline.

Revvity Omics, Revvity
Classification: Uncertain significance. Last evaluated: 2020-12-14. Review status: criteria provided, single submitter. Criteria: ACMG Guidelines, 2015. Collection method: clinical testing. Allele origin: germline.

Counsyl
Classification: Uncertain significance for Merosin deficient congenital muscular dystrophy. Last evaluated: 2017-02-07. Review status: no assertion criteria provided. Collection method: clinical testing. Allele origin: unknown. Not counted in ClinVar's aggregate classification.